The following is an entry in ClinVar:

ClinVar aggregate classification (germline): Pathogenic (1 of 4 stars; one submission).

Submission:

Labcorp Genetics (formerly Invitae), Labcorp
Classification: Pathogenic. Last evaluated: 2023-12-10. Review status: criteria provided, single submitter. Criteria: Invitae Variant Classification Sherloc (09022015). Collection method: clinical testing. Allele origin: germline.
Comment: This sequence change creates a premature translational stop signal (p.Tyr444*) in the SLC12A3 gene. It is expected to result in an absent or disrupted protein product. Loss-of-function variants in SLC12A3 are known to be pathogenic (PMID: 20848653, 22009145, 25841442). This variant is not present in population databases (gnomAD no frequency). This variant has not been reported in the literature in individuals affected with SLC12A3-related conditions. ClinVar contains an entry for this variant (Variation ID: 1453322). For these reasons, this variant has been classified as Pathogenic.

Literature cited by the submitters: PubMed 20848653; PubMed 22009145; PubMed 25841442.

NM_001126108.2(SLC12A3):c.1332C>A (p.Tyr444Ter)

Gene: SLC12A3 (solute carrier family 12 member 3; plus strand). Cytogenetic location: 16q13.
Variant type: single nucleotide variant.
Coding change: c.1332C>A on transcript NM_001126108.2 (MANE Select); coding-DNA position 1332, C replaced by A.
Protein change: p.Tyr444Ter; replaces tyrosine 444 with a stop codon.
Molecular consequence: nonsense.
Genome position (GRCh38, 1-based): chr16:56,879,224, C>A. VCF-style: chr16-56879224-C-A. GRCh37 (hg19) VCF-style: chr16-56913136-C-A.
Other names: c.1332C>A, p.Tyr444Ter (NM_000339.3); c.1329C>A, p.Tyr443Ter (NM_001126107.2); short protein forms Y444*, Y443*.
Identifiers: ClinVar variation 1453322 (VCV001453322.6), dbSNP rs368907927, ClinGen allele CA395986442.
Genomic context (GRCh38, chr16:56,879,224, plus strand): 5'-CTGGAACTTCACCGAGTGCACCCAGCAGCACAGCTGCCACTACGGCCTCATCAACTATTA[C>A]CAGGTACTGCCAGGAGAGCTGACCCACCAGACACAGTGGGGGCTGGGTGGAGGCTGCAGG-3'